The following is an entry in ClinVar:

NM_001003722.2(GLE1):c.1965-1G>T

Genes: GLE1 (GLE1 RNA export mediator; plus strand), LOC101929270 (uncharacterized LOC101929270; minus strand). Cytogenetic location: 9q34.11.
Variant type: single nucleotide variant.
Coding change: c.1965-1G>T on transcript NM_001003722.2 (MANE Select); the canonical splice acceptor site of the intron before coding-DNA position 1965, G replaced by T.
Molecular consequence: splice acceptor variant.
Genome position (GRCh38, 1-based): chr9:128,540,274, G>T. VCF-style: chr9-128540274-G-T. GRCh37 (hg19) VCF-style: chr9-131302553-G-T.
Other names: NC_000009.11:g.131302553G>T; c.1992-1G>T (NM_001411013.1); c.1965-1G>T (NM_001003722.1).
Identifiers: ClinVar variation 4352487 (VCV004352487.2).
Genomic context (GRCh38, chr9:128,540,274, plus strand): 5'-CCGTTTCCAAAAGATAGGTGTATATCATAGGTGTGATTCATGTGTCTTTCTCTCCCTGTA[G>T]AATTGAAGCTATCACAAGCTCAGGACAGATGGGCTCCTTCATACGCCTCAAGCAGTTCTT-3'

ClinVar aggregate classification (germline): Likely pathogenic (1 of 4 stars; one submission).

Conditions:
Lethal congenital contractural syndrome Finnish type.

Submissions (2):

Natera, Inc.
Classification: Likely pathogenic for Lethal congenital contractural syndrome Finnish type. Last evaluated: 2024-03-04. Review status: criteria provided, single submitter. Criteria: Natera Variant Classification Schema (03/2026). Collection method: clinical testing. Allele origin: germline.
Comment: The c.1965-1G>T variant in GLE1 is a canonical splice acceptor site variant predicted to affect pre-mRNA splicing, which may result in an abnormal transcript and altered protein product. This variant is expected to result in nonsense mediated decay, truncation, or a dysfunctional protein product. This variant is rare in the general population with a frequency below the threshold expected for the associated phenotype(s). Given the available evidence, this variant is classified as Likely Pathogenic.

Dr. Peter K. Rogan Lab, Western University
No classification provided (evidence only). Condition: Uterine carcinosarcoma. Review status: no classification provided. Collection method: in vitro. Allele origin: not applicable. Functional consequence: cryptic splice site, retained intron. Not counted in ClinVar's aggregate classification.